The following is an entry in ClinVar:

ClinVar aggregate classification (germline): Uncertain significance (1 of 4 stars; one submission).

Conditions:
Hereditary sensory and autonomic neuropathy type 7. Also called: Neuropathy, hereditary sensory and autonomic, type VII; HSAN VII. Identifiers: Orphanet 391397, MedGen C3809882, MONDO:0014244, OMIM 615548.
Familial episodic pain syndrome with predominantly lower limb involvement. Also called: Episodic pain syndrome, familial, 3. Identifiers: Orphanet 391384, Orphanet 391392, MedGen C3809899, MONDO:0014247, OMIM 615552.

Submission:

Labcorp Genetics (formerly Invitae), Labcorp
Classification: Uncertain significance for Familial episodic pain syndrome with predominantly lower limb involvement; Hereditary sensory and autonomic neuropathy type 7. Last evaluated: 2021-01-01. Review status: criteria provided, single submitter. Criteria: Invitae Variant Classification Sherloc (09022015). Collection method: clinical testing. Allele origin: germline.
Comment: This sequence change replaces glutamine with glutamic acid at codon 1274 of the SCN11A protein (p.Gln1274Glu). The glutamine residue is weakly conserved and there is a small physicochemical difference between glutamine and glutamic acid. This variant is not present in population databases (ExAC no frequency). This variant has not been reported in the literature in individuals with SCN11A-related conditions. Algorithms developed to predict the effect of missense changes on protein structure and function output the following: SIFT: "Tolerated"; PolyPhen-2: "Benign"; Align-GVGD: "Class C0". The glutamic acid amino acid residue is found in multiple mammalian species, suggesting that this missense change does not adversely affect protein function. These predictions have not been confirmed by published functional studies and their clinical significance is uncertain. In summary, the available evidence is currently insufficient to determine the role of this variant in disease. Therefore, it has been classified as a Variant of Uncertain Significance.

NM_001349253.2(SCN11A):c.3820C>G (p.Gln1274Glu)

Gene: SCN11A (sodium voltage-gated channel alpha subunit 11; minus strand). Cytogenetic location: 3p22.2.
Variant type: single nucleotide variant.
Coding change: c.3820C>G on transcript NM_001349253.2 (MANE Select); coding-DNA position 3820, C replaced by G.
Protein change: p.Gln1274Glu; replaces glutamine 1274 with glutamic acid.
Molecular consequence: missense variant.
Genome position (GRCh38, 1-based): chr3:38,867,452, G>C on the plus strand (C>G on the coding strand, the complement: SCN11A is on the minus strand). VCF-style: chr3-38867452-G-C. GRCh37 (hg19) VCF-style: chr3-38908943-G-C.
Other names: c.3820C>G, p.Gln1274Glu (NM_014139.3); short protein forms Q1274E.
Identifiers: ClinVar variation 1361960 (VCV001361960.8), dbSNP rs1553633165, ClinGen allele CA352169547.